The following is an entry in ClinVar:

ClinVar aggregate classification (germline): Uncertain significance (1 of 4 stars; one submission).

Submission:

Ambry Genetics
Classification: Uncertain significance. Last evaluated: 2023-08-30. Review status: criteria provided, single submitter. Criteria: Ambry Variant Classification Scheme 2023. Collection method: clinical testing. Allele origin: germline.
Comment: The p.P307L variant (also known as c.920C>T), located in coding exon 6 of the BUB3 gene, results from a C to T substitution at nucleotide position 920. The proline at codon 307 is replaced by leucine, an amino acid with similar properties. This amino acid position is conserved. In addition, the in silico prediction for this alteration is inconclusive. Since supporting evidence is limited at this time, the clinical significance of this alteration remains unclear.

NM_004725.4(BUB3):c.920C>T (p.Pro307Leu)

Gene: BUB3 (BUB3 mitotic checkpoint protein; plus strand). Cytogenetic location: 10q26.13.
Variant type: single nucleotide variant.
Coding change: c.920C>T on transcript NM_004725.4 (MANE Select); coding-DNA position 920, C replaced by T.
Protein change: p.Pro307Leu; replaces proline 307 with leucine.
Molecular consequence: missense variant.
Genome position (GRCh38, 1-based): chr10:123,162,777, C>T. VCF-style: chr10-123162777-C-T. GRCh37 (hg19) VCF-style: chr10-124922293-C-T.
Other names: c.920C>T, p.Pro307Leu (NM_001007793.3); short protein forms P307L.
Identifiers: ClinVar variation 2625361 (VCV002625361.2), dbSNP rs2493767273, ClinGen allele CA378627210.
Genomic context (GRCh38, chr10:123,162,777, plus strand): 5'-ATGGGACTACGCTTGCAATAGCGTCATCATATATGTATGAAATGGATGACACAGAACATC[C>T]TGAAGATGGTATCTTCATTCGCCAAGTGACAGATGCAGAAACAAAACCCAAGTGAGTATG-3'
Protein context (NP_004716.1, residues 297-317): YMYEMDDTEH[Pro307Leu]EDGIFIRQVT